The following is an entry in ClinVar:

NM_001278293.3(ARL6):c.140T>C (p.Ile47Thr)

Gene: ARL6 (ARF like GTPase 6; plus strand). Cytogenetic location: 3q11.2.
Variant type: single nucleotide variant.
Coding change: c.140T>C on transcript NM_001278293.3 (MANE Select); coding-DNA position 140, T replaced by C.
Protein change: p.Ile47Thr; replaces isoleucine 47 with threonine.
Molecular consequence: missense variant. On other transcripts: non-coding transcript variant (7).
Genome position (GRCh38, 1-based): chr3:97,780,175, T>C. VCF-style: chr3-97780175-T-C. GRCh37 (hg19) VCF-style: chr3-97499019-T-C.
Other names: c.140T>C, p.Ile47Thr (NM_001323513.2, NM_001323514.2, NM_032146.5 and 1 more transcripts); short protein forms I47T.
Identifiers: ClinVar variation 2112108 (VCV002112108.2), dbSNP rs757995078, ClinGen allele CA79492111.

ClinVar aggregate classification (germline): Uncertain significance. Review status: criteria provided, multiple submitters, no conflicts (2 of 4 stars). 2 submissions from 2 submitters: Uncertain significance (2). Last evaluated 2025-12-28.

Conditions:
Bardet-Biedl syndrome 3 (BBS3). Identifiers: Orphanet 110, MedGen C1859564, MONDO:0010832, OMIM 600151.
Retinitis pigmentosa 55 (RP55). Identifiers: Orphanet 791, MedGen C3150808, MONDO:0013312, OMIM 613575.
ARL6-related disorder. Also called: ARL6-related condition.

Allele frequency attached by ClinVar (database versions not stated): gnomAD exomes 0.00001.
gnomAD v4.1: 3 of 1,613,024 alleles (0.00019%); highest among the groups gnomAD compares: Middle Eastern, 0.017%; no homozygotes.

Submissions (2):

PreventionGenetics, part of Exact Sciences
Classification: Uncertain significance for ARL6-related condition. Last evaluated: 2025-12-28. Review status: criteria provided, single submitter. Criteria: ACMG Guidelines, 2015. Collection method: clinical testing. Allele origin: germline.
Comment: The ARL6 c.140T>C variant is predicted to result in the amino acid substitution p.Ile47Thr. To our knowledge, this variant has not been reported in the literature or in a large population database (gnomAD), indicating this variant is rare. At this time, the clinical significance of this variant is uncertain due to the absence of conclusive functional and genetic evidence.

Labcorp Genetics (formerly Invitae), Labcorp
Classification: Uncertain significance for Retinitis pigmentosa 55; Bardet-Biedl syndrome 3. Last evaluated: 2022-02-20. Review status: criteria provided, single submitter. Criteria: Invitae Variant Classification Sherloc (09022015). Collection method: clinical testing. Allele origin: germline.
Comment: This sequence change replaces isoleucine, which is neutral and non-polar, with threonine, which is neutral and polar, at codon 47 of the ARL6 protein (p.Ile47Thr). This variant is not present in population databases (gnomAD no frequency). This variant has not been reported in the literature in individuals affected with ARL6-related conditions. Algorithms developed to predict the effect of missense changes on protein structure and function are either unavailable or do not agree on the potential impact of this missense change (SIFT: "Deleterious"; PolyPhen-2: "Benign"; Align-GVGD: "Class C25"). In summary, the available evidence is currently insufficient to determine the role of this variant in disease. Therefore, it has been classified as a Variant of Uncertain Significance.